The following is an entry in ClinVar:

NM_020297.4(ABCC9):c.1946G>A (p.Arg649Lys)

Gene: ABCC9 (ATP binding cassette subfamily C member 9; minus strand). Cytogenetic location: 12p12.1.
Variant type: single nucleotide variant.
Coding change: c.1946G>A on transcript NM_020297.4 (MANE Select); coding-DNA position 1946, G replaced by A.
Protein change: p.Arg649Lys; replaces arginine 649 with lysine.
Molecular consequence: missense variant.
Genome position (GRCh38, 1-based): chr12:21,882,839, C>T on the plus strand (G>A on the coding strand, the complement: ABCC9 is on the minus strand). VCF-style: chr12-21882839-C-T. GRCh37 (hg19) VCF-style: chr12-22035773-C-T.
Other names: c.1946G>A, p.Arg649Lys (NM_001377273.1, NM_005691.4); c.1082G>A, p.Arg361Lys (NM_001377274.1); short protein forms R361K, R649K.
Identifiers: ClinVar variation 1398151 (VCV001398151.6), dbSNP rs2137655624, ClinGen allele CA384135159.

ClinVar aggregate classification (germline): Uncertain significance (1 of 4 stars; one submission).

Conditions:
Dilated cardiomyopathy 1O (CMD1O). Also called: CARDIOMYOPATHY, DILATED, WITH VENTRICULAR TACHYCARDIA. Identifiers: Orphanet 154, MedGen C1837839, MONDO:0012062, OMIM 608569.

Allele frequency attached by ClinVar (database versions not stated): gnomAD exomes below 0.00001.
gnomAD v4.1: 2 of 1,614,068 alleles (0.00012%); highest among the groups gnomAD compares: African/African-American, 0.0013%; no homozygotes.

Submission:

Labcorp Genetics (formerly Invitae), Labcorp
Classification: Uncertain significance for Dilated cardiomyopathy 1O. Last evaluated: 2021-09-09. Review status: criteria provided, single submitter. Criteria: Invitae Variant Classification Sherloc (09022015). Collection method: clinical testing. Allele origin: germline.
Comment: This variant has not been reported in the literature in individuals affected with ABCC9-related conditions. Algorithms developed to predict the effect of missense changes on protein structure and function (SIFT, PolyPhen-2, Align-GVGD) all suggest that this variant is likely to be tolerated. In summary, the available evidence is currently insufficient to determine the role of this variant in disease. Therefore, it has been classified as a Variant of Uncertain Significance. This variant is not present in population databases (ExAC no frequency). This sequence change replaces arginine with lysine at codon 649 of the ABCC9 protein (p.Arg649Lys). The arginine residue is moderately conserved and there is a small physicochemical difference between arginine and lysine.